The following continues an entry in ClinVar:

NM_007294.4(BRCA1):c.2433del (p.Lys812fs)

Gene: BRCA1. ClinVar aggregate classification (germline): Pathogenic. Pathogenic (1).

Submissions 20 to 25 of 25:

Counsyl
Classification: Pathogenic for Breast-ovarian cancer, familial, susceptibility to, 1. Last evaluated: 2016-07-05. Review status: no assertion criteria provided. Collection method: clinical testing. Allele origin: unknown. Not counted in ClinVar's aggregate classification.

Pathway Genomics
Classification: Pathogenic for Breast-ovarian cancer, familial 1. Last evaluated: 2014-07-24. Review status: no assertion criteria provided. Collection method: clinical testing. Allele origin: germline. Not counted in ClinVar's aggregate classification.

Research Molecular Genetics Laboratory, Women's College Hospital, University of Toronto
Classification: Pathogenic for Hereditary breast ovarian cancer syndrome. Last evaluated: 2014-01-31. Review status: no assertion criteria provided. Collection method: research. Allele origin: germline. Affected: yes. Study: The Canadian Open Genetics Repository (COGR). Not counted in ClinVar's aggregate classification.

Sharing Clinical Reports Project (SCRP)
Classification: Pathogenic for Breast-ovarian cancer, familial 1. Last evaluated: 2014-01-29. Review status: no assertion criteria provided. Collection method: clinical testing. Allele origin: germline. Not counted in ClinVar's aggregate classification.

Breast Cancer Information Core (BIC) (BRCA1)
Classification: Pathogenic for Breast-ovarian cancer, familial 1. Last evaluated: 2002-05-29. Review status: no assertion criteria provided. Collection method: clinical testing. Allele origin: germline, unknown. Affected: yes. Observed: 11 variant alleles. Not counted in ClinVar's aggregate classification.

Department of Pathology and Laboratory Medicine, Sinai Health System
Classification: Pathogenic for Malignant tumor of breast. Review status: no assertion criteria provided. Collection method: clinical testing. Allele origin: unknown. Affected: yes. Observed: 1 variant allele. Study: The Canadian Open Genetics Repository (COGR). Not counted in ClinVar's aggregate classification.
Comment: The BRCA1 p.Lys812ArgfsX3 deletion variant was identified in at least 13 of 117374 proband chromosomes (frequency: 0.0001) from individuals or families with breast or ovarian cancer, and was not identified in 334 control chromosomes from healthy individuals (Borg 2010, Han 2006, Judkins 2005, Weber 2006, Weitzel 2005). The variant was also identified in dbSNP (ID: rs80357524 ) â€šÃ„ÃºWith pathogenic allele, HGMD, LOVD, COSMIC, the ClinVar database (classified as a pathogenic variant by the Sharing Clinical Reports Project (derived from Myriad reports); classified as pathogenic by Ambry Genetics), the BIC database (11X with clinical importance, classified as pathogenic), and UMD (1X as a causal variant). The p.Lys812ArgfsX3deletion variant is predicted to cause a frameshift, which alters the protein's amino acid sequence beginning at codon 812 and leads to a premature stop codon 3 codons downstream. This alteration is then predicted to result in a truncated or absent protein and loss of function. Loss of function variants of the BRCA1 gene are an established mechanism of disease in hereditary breast and ovarian cancer and is the type of variant expected to cause the disorder. In summary, based on the above information, this variant meets our laboratory's criteria to be classified as pathogenic.

Literature cited by the submitters: PubMed 11157798 (cited by Variantyx, Inc.); PubMed 20301425 (cited by Variantyx, Inc.); PubMed 28111427 (cited by Variantyx, Inc. and Ambry Genetics); PubMed 30350268 (cited by 3 submitters); PubMed 29240602 (cited by Variantyx, Inc. and Quest Diagnostics Nichols Institute San Juan Capistrano); PubMed 23233716 (cited by 5 submitters); PubMed 22217648 (cited by 4 submitters); PubMed 20104584 (cited by 6 submitters); PubMed 16030099 (cited by 7 submitters); PubMed 22798144 (cited by 4 submitters); PubMed 16455195 (cited by 5 submitters); PubMed 16685647 (cited by All of Us Research Program, National Institutes of Health and Color Diagnostics, LLC DBA Color Health); PubMed 16949048 (cited by 4 submitters); PubMed 17925560 (cited by 5 submitters); PubMed 18159056 (cited by 4 submitters); PubMed 19499246 (cited by 4 submitters); PubMed 25186627 (cited by 4 submitters); PubMed 25371446 (cited by 3 submitters); PubMed 26402875 (cited by 4 submitters); PubMed 33471991 (cited by 3 submitters); PubMed 34063308 (cited by All of Us Research Program, National Institutes of Health and Color Diagnostics, LLC DBA Color Health); PubMed 17100994 (cited by 3 submitters); PubMed 19241424 (cited by Ambry Genetics and Pathway Genomics); PubMed 25628955 (cited by Ambry Genetics); PubMed 25863477 (cited by Ambry Genetics); PubMed 30274973 (cited by Ambry Genetics and Quest Diagnostics Nichols Institute San Juan Capistrano); PubMed 32868804 (cited by Ambry Genetics and Quest Diagnostics Nichols Institute San Juan Capistrano); PubMed 26295337 (cited by Quest Diagnostics Nichols Institute San Juan Capistrano); PubMed 16267036 (cited by Women's Health and Genetics/Laboratory Corporation of America, LabCorp); PubMed 28122244 (cited by Women's Health and Genetics/Laboratory Corporation of America, LabCorp); PubMed 17591843 (cited by Pathway Genomics); PubMed 15383404 (cited by Breast Cancer Information Core (BIC) (BRCA1)).